The following is an entry in ClinVar:

ClinVar aggregate classification (germline): Uncertain significance (1 of 4 stars; one submission).

Conditions:
Fanconi anemia complementation group J. Also called: BRIP1-Related Fanconi Anemia. Identifiers: Orphanet 84, MedGen C1836860, MONDO:0012187, OMIM 609054.
Familial cancer of breast. Also called: Hereditary breast cancer; hereditary breast carcinoma; BREAST CANCER, FAMILIAL. Identifiers: Orphanet 227535, MedGen C0346153, MONDO:0016419, OMIM 114480. Disease mechanism: loss of function.

Submission:

Labcorp Genetics (formerly Invitae), Labcorp
Classification: Uncertain significance for Familial cancer of breast; Fanconi anemia complementation group J. Last evaluated: 2025-05-04. Review status: criteria provided, single submitter. Criteria: Invitae Variant Classification Sherloc (09022015). Collection method: clinical testing. Allele origin: germline.
Comment: This sequence change replaces phenylalanine, which is neutral and non-polar, with serine, which is neutral and polar, at codon 631 of the BRIP1 protein (p.Phe631Ser). This variant is not present in population databases (gnomAD no frequency). This variant has not been reported in the literature in individuals affected with BRIP1-related conditions. Invitae Evidence Modeling of protein sequence and biophysical properties (such as structural, functional, and spatial information, amino acid conservation, physicochemical variation, residue mobility, and thermodynamic stability) indicates that this missense variant is expected to disrupt BRIP1 protein function with a positive predictive value of 95%. In summary, the available evidence is currently insufficient to determine the role of this variant in disease. Therefore, it has been classified as a Variant of Uncertain Significance.

NM_032043.3(BRIP1):c.1892T>C (p.Phe631Ser)

Gene: BRIP1 (BRCA1 interacting DNA helicase 1; minus strand). Cytogenetic location: 17q23.2.
Variant type: single nucleotide variant.
Coding change: c.1892T>C on transcript NM_032043.3 (MANE Select); coding-DNA position 1892, T replaced by C.
Protein change: p.Phe631Ser; replaces phenylalanine 631 with serine.
Molecular consequence: missense variant.
Genome position (GRCh38, 1-based): chr17:61,780,304, A>G on the plus strand (T>C on the coding strand, the complement: BRIP1 is on the minus strand). VCF-style: chr17-61780304-A-G. GRCh37 (hg19) VCF-style: chr17-59857665-A-G.
Other names: short protein forms F631S.
Identifiers: ClinVar variation 4783557 (VCV004783557.1).